The following is an entry in ClinVar:

ClinVar aggregate classification (germline): Pathogenic (1 of 4 stars; one submission).

Submission:

GeneDx
Classification: Pathogenic. Last evaluated: 2017-05-17. Review status: criteria provided, single submitter. Criteria: GeneDx Variant Classification (06012015). Collection method: clinical testing. Allele origin: germline. Affected: yes.
Comment: The Q176X pathogenic variant in the ENG gene has previously been reported in individuals with a definite or suspected diagnosis of HHT (Olivieri et al., 2007; McDonald et al., 2011). Q176X is predicted to cause loss of normal protein function either by protein truncation or nonsense-mediated mRNA decay. Multiple other nonsense variants in the ENG gene have been reported in Human Gene Mutation Database in association with HHT (Stenson et al., 2014). Furthermore, the Q176X variant is not observed in large population cohorts (Lek et al., 2016; 1000 Genomes Consortium et al., 2015; Exome Variant Server).

NM_001114753.3(ENG):c.526C>T (p.Gln176Ter)

Gene: ENG (endoglin; minus strand). Cytogenetic location: 9q34.11.
Variant type: single nucleotide variant.
Coding change: c.526C>T on transcript NM_001114753.3 (MANE Select); coding-DNA position 526, C replaced by T.
Protein change: p.Gln176Ter; replaces glutamine 176 with a stop codon.
Molecular consequence: nonsense. On other transcripts: 5 prime UTR variant (1).
Genome position (GRCh38, 1-based): chr9:127,825,858, G>A on the plus strand (C>T on the coding strand, the complement: ENG is on the minus strand). VCF-style: chr9-127825858-G-A. GRCh37 (hg19) VCF-style: chr9-130588137-G-A.
Other names: c.526C>T, p.Gln176Ter (NM_000118.4, NM_001406715.1); c.-21C>T (NM_001278138.2); short protein forms Q176*.
Identifiers: ClinVar variation 429922 (VCV000429922.4), dbSNP rs1131691674, ClinGen allele CA374983805.